The following is an entry in ClinVar:

ClinVar aggregate classification (germline): Uncertain significance (1 of 4 stars; one submission).

Conditions:
Wilms tumor 1 (WT1). Also called: Wilms tumor, somatic. Identifiers: Orphanet 654, MedGen CN033288, MONDO:0008679, OMIM 194070.

Allele frequency attached by ClinVar (database versions not stated): gnomAD exomes below 0.00001 and 0.00002; ExAC 0.00001; TOPMed 0.00001; gnomAD 0.00002.
gnomAD v4.1: 8 of 1,208,626 alleles (0.00066%); highest among the groups gnomAD compares: Admixed American, 0.0022%; no homozygotes.

Submission:

Labcorp Genetics (formerly Invitae), Labcorp
Classification: Uncertain significance for Wilms tumor 1. Last evaluated: 2025-12-08. Review status: criteria provided, single submitter. Criteria: Invitae Variant Classification Sherloc (09022015). Collection method: clinical testing. Allele origin: germline.
Comment: This sequence change replaces valine, which is neutral and non-polar, with methionine, which is neutral and non-polar, at codon 516 of the GPC3 protein (p.Val516Met). This variant is present in population databases (rs1803692, gnomAD 0.003%), including at least one homozygous and/or hemizygous individual. This variant has not been reported in the literature in individuals affected with GPC3-related conditions. ClinVar contains an entry for this variant (Variation ID: 836708). An algorithm developed to predict the effect of missense changes on protein structure and function outputs the following: PolyPhen-2: "Benign". The methionine amino acid residue is found in multiple mammalian species, which suggests that this missense change does not adversely affect protein function. In summary, the available evidence is currently insufficient to determine the role of this variant in disease. Therefore, it has been classified as a Variant of Uncertain Significance.

NM_004484.4(GPC3):c.1546G>A (p.Val516Met)

Gene: GPC3 (glypican 3; minus strand). Cytogenetic location: Xq26.2.
Variant type: single nucleotide variant.
Coding change: c.1546G>A on transcript NM_004484.4 (MANE Select); coding-DNA position 1546, G replaced by A.
Protein change: p.Val516Met; replaces valine 516 with methionine.
Molecular consequence: missense variant.
Genome position (GRCh38, 1-based): chrX:133,596,467, C>T on the plus strand (G>A on the coding strand, the complement: GPC3 is on the minus strand). VCF-style: chrX-133596467-C-T. GRCh37 (hg19) VCF-style: chrX-132730495-C-T.
Other names: c.1615G>A, p.Val539Met (NM_001164617.2); c.1498G>A, p.Val500Met (NM_001164618.2); c.1384G>A, p.Val462Met (NM_001164619.2); short protein forms V500M, V539M, V462M, V516M.
Identifiers: ClinVar variation 836708 (VCV000836708.8), dbSNP rs1803692, ClinGen allele CA10520659.